The following is an entry in ClinVar:

ClinVar aggregate classification (germline): Uncertain significance. Review status: criteria provided, multiple submitters, no conflicts (2 of 4 stars). 2 submissions from 2 submitters: Uncertain significance (2). Last evaluated 2025-02-06.

Conditions:
Cardiovascular phenotype. Identifiers: MedGen CN230736.

Allele frequency attached by ClinVar (database versions not stated): gnomAD exomes below 0.00001.
gnomAD v4.1: 1 of 1,614,202 alleles (0.000062%); highest among the groups gnomAD compares: Admixed American, 0.0017%; no homozygotes.

Submissions (2):

GeneDx
Classification: Uncertain significance. Last evaluated: 2025-02-06. Review status: criteria provided, single submitter. Criteria: GeneDx Variant Classification Process June 2021. Collection method: clinical testing. Allele origin: germline. Affected: yes.
Comment: Not observed at significant frequency in large population cohorts (gnomAD); In silico analysis indicates that this missense variant does not alter protein structure/function; Has not been previously published as pathogenic or benign to our knowledge

Ambry Genetics
Classification: Uncertain significance for Cardiovascular phenotype. Last evaluated: 2025-01-28. Review status: criteria provided, single submitter. Criteria: Ambry Variant Classification Scheme 2023. Collection method: clinical testing. Allele origin: germline.
Comment: The p.D512E variant (also known as c.1536T>G), located in coding exon 6 of the KCND3 gene, results from a T to G substitution at nucleotide position 1536. The aspartic acid at codon 512 is replaced by glutamic acid, an amino acid with highly similar properties. This amino acid position is highly conserved in available vertebrate species. In addition, the in silico prediction for this alteration is inconclusive. Since supporting evidence is limited at this time, the clinical significance of this alteration remains unclear.

NM_001378969.1(KCND3):c.1536T>G (p.Asp512Glu)

Gene: KCND3 (potassium voltage-gated channel subfamily D member 3; minus strand). Cytogenetic location: 1p13.2.
Variant type: single nucleotide variant.
Coding change: c.1536T>G on transcript NM_001378969.1 (MANE Select); coding-DNA position 1536, T replaced by G.
Protein change: p.Asp512Glu; replaces aspartic acid 512 with glutamic acid.
Molecular consequence: missense variant.
Genome position (GRCh38, 1-based): chr1:111,777,256, A>C on the plus strand (T>G on the coding strand, the complement: KCND3 is on the minus strand). VCF-style: chr1-111777256-A-C. GRCh37 (hg19) VCF-style: chr1-112319878-A-C.
Other names: c.1479T>G, p.Asp493Glu (NM_001378970.1, NM_172198.3); c.1536T>G, p.Asp512Glu (NM_004980.5); short protein forms D512E, D493E.
Identifiers: ClinVar variation 1774730 (VCV001774730.4), dbSNP rs1342511268, ClinGen allele CA341657387.